The following is an entry in ClinVar:

ClinVar aggregate classification (germline): Conflicting classifications of pathogenicity. Review status: criteria provided, conflicting classifications (1 of 4 stars). 5 submissions from 5 submitters: Uncertain significance (2); Likely benign (3). Last evaluated 2026-02-09.

Conditions:
Dilated cardiomyopathy 1KK (CMD1KK). Identifiers: Orphanet 154, Orphanet 75249, MedGen C3714995, MONDO:0014100, OMIM 615248.
Cardiovascular phenotype. Identifiers: MedGen CN230736.
Restrictive cardiomyopathy. Identifiers: Orphanet 217632, MedGen C0007196, MeSH D002313, MONDO:0005201, HP:0001723.

Allele frequency attached by ClinVar (database versions not stated): TOPMed 0.00006; ExAC 0.00030; gnomAD exomes 0.00044; gnomAD 0.00057.
gnomAD v4.1: 332 of 1,612,736 alleles (0.021%); highest among the groups gnomAD compares: South Asian, 0.041%; 2 homozygotes.

Submissions (5):

GeneDx
Classification: Uncertain significance. Last evaluated: 2026-02-09. Review status: criteria provided, single submitter. Criteria: GeneDx Variant Classification Process June 2021. Collection method: clinical testing. Allele origin: germline.
Comment: Identified in a patient with HCM in published literature; however, this patient harbored additional cardiogenetic variants (PMID: 30775854); In silico analysis supports that this missense variant has a deleterious effect on protein structure/function; This variant is associated with the following publications: (PMID: 30775854)

Labcorp Genetics (formerly Invitae), Labcorp
Classification: Likely benign for Dilated cardiomyopathy 1KK. Last evaluated: 2025-10-13. Review status: criteria provided, single submitter. Criteria: Invitae Variant Classification Sherloc (09022015). Collection method: clinical testing. Allele origin: germline.

Blueprint Genetics
Classification: Likely benign. Last evaluated: 2024-11-21. Review status: criteria provided, single submitter. Criteria: ACMG Guidelines, 2015. Collection method: clinical testing. Allele origin: germline.

Ambry Genetics
Classification: Likely benign for Cardiovascular phenotype. Last evaluated: 2023-05-23. Review status: criteria provided, single submitter. Criteria: Ambry Variant Classification Scheme 2023. Collection method: clinical testing. Allele origin: germline.

Institute Of Molecular Biology And Genetics, Federal Almazov National Medical Research Centre
Classification: Uncertain significance for Restrictive cardiomyopathy. Review status: criteria provided, single submitter. Criteria: ACMG Guidelines, 2015. Collection method: research. Allele origin: germline. Inheritance: Autosomal dominant inheritance. Affected: yes.

Literature cited by the submitters: PubMed 30775854 (cited by Ambry Genetics); PubMed 31568572 (cited by Ambry Genetics).

NM_032578.4(MYPN):c.802C>T (p.Pro268Ser)

Gene: MYPN (myopalladin; plus strand). Cytogenetic location: 10q21.3.
Variant type: single nucleotide variant.
Coding change: c.802C>T on transcript NM_032578.4 (MANE Select); coding-DNA position 802, C replaced by T.
Protein change: p.Pro268Ser; replaces proline 268 with serine.
Molecular consequence: missense variant. On other transcripts: 5 prime UTR variant (1), non-coding transcript variant (1).
Genome position (GRCh38, 1-based): chr10:68,122,240, C>T. VCF-style: chr10-68122240-C-T. GRCh37 (hg19) VCF-style: chr10-69881997-C-T.
Other names: c.802C>T, p.Pro268Ser (NM_001256267.2); c.-321C>T (NM_001256268.2); c.802C>T (NM_032578.2, NM_032578.3); short protein forms P268S.
Identifiers: ClinVar variation 444869 (VCV000444869.14), dbSNP rs201454261, ClinGen allele CA5522337.